The following is an entry in ClinVar:

NM_001372044.2(SHANK3):c.3443C>T (p.Pro1148Leu)

Gene: SHANK3 (SH3 and multiple ankyrin repeat domains 3; plus strand). Cytogenetic location: 22q13.33.
Variant type: single nucleotide variant.
Coding change: c.3443C>T on transcript NM_001372044.2 (MANE Select); coding-DNA position 3443, C replaced by T.
Protein change: p.Pro1148Leu; replaces proline 1148 with leucine.
Molecular consequence: missense variant.
Genome position (GRCh38, 1-based): chr22:50,721,051, C>T. VCF-style: chr22-50721051-C-T. GRCh37 (hg19) VCF-style: chr22-51159479-C-T.
Other names: c.3218C>T, p.Pro1073Leu (NM_033517.1); short protein forms P1073L, P1148L.
Identifiers: ClinVar variation 1710808 (VCV001710808.3), dbSNP rs763812714, ClinGen allele CA515261025.
Genomic context (GRCh38, chr22:50,721,051, plus strand): 5'-TCGACGAGCGCCTCCTGGGGACCGGCCCCACCGCCGGCCGCGACCTGCTGCTGCCCTCCC[C>T]GGTGTCTGCCCTGAAGCCGTTGGTCAGCGGCCCGAGCCTGGGGCCCTCGGGTTCCACCTT-3'
Protein context (NP_001358973.1, residues 1138-1158): TAGRDLLLPS[Pro1148Leu]VSALKPLVSG

ClinVar aggregate classification (germline): Uncertain significance. Review status: criteria provided, multiple submitters, no conflicts (2 of 4 stars). 2 submissions from 2 submitters: Uncertain significance (2). Last evaluated 2023-04-27.

Submissions (2):

Women's Health and Genetics/Laboratory Corporation of America, LabCorp
Classification: Uncertain significance. Last evaluated: 2023-04-27. Review status: criteria provided, single submitter. Criteria: LabCorp Variant Classification Summary - May 2015. Collection method: clinical testing. Allele origin: germline.
Comment: Variant summary: SHANK3 c.3404C>T/p.Pro1135Leu (also known as c.3443C>T/p.Pro1148Leu) results in a non-conservative amino acid change in the encoded protein sequence. Three of three in-silico tools predict a damaging effect of the variant on protein function. The variant was absent in 215302 control chromosomes. The available data on variant occurrences in the general population are insufficient to allow any conclusion about variant significance. To our knowledge, no occurrence of c.3404C>T in individuals affected with Phelan-McDermid Syndrome and no experimental evidence demonstrating its impact on protein function have been reported. One clinical diagnostic laboratory has submitted clinical-significance assessments for this variant to ClinVar after 2014 without evidence for independent evaluation and classified the variant as uncertain significance. Based on the evidence outlined above, the variant was classified as uncertain significance.

GeneDx
Classification: Uncertain significance. Last evaluated: 2022-04-15. Review status: criteria provided, single submitter. Criteria: GeneDx Variant Classification Process June 2021. Collection method: clinical testing. Allele origin: germline. Affected: yes.
Comment: Not observed at significant frequency in large population cohorts (gnomAD); In silico analysis supports that this missense variant has a deleterious effect on protein structure/function; Has not been previously published as pathogenic or benign to our knowledge